The following is an entry in ClinVar:

ClinVar aggregate classification (germline): Pathogenic/Likely pathogenic. Review status: criteria provided, multiple submitters, no conflicts (2 of 4 stars). 3 submissions from 3 submitters: Pathogenic (2); Likely pathogenic (1). Last evaluated 2025-07-22.

Conditions:
Congenital factor V deficiency. Also called: PARAHEMOPHILIA; Hereditary factor V deficiency disease; LABILE FACTOR DEFICIENCY; OWREN PARAHEMOPHILIA. Identifiers: Orphanet 326, MedGen C0015499, MONDO:0009210, OMIM 227400.
Factor V deficiency. Also called: Reduced coagulation factor V activity. Identifiers: Orphanet 326, MedGen C4317320, MONDO:0020586, HP:0003225.

Submissions (3):

Labcorp Genetics (formerly Invitae), Labcorp
Classification: Pathogenic for Congenital factor V deficiency. Last evaluated: 2025-07-22. Review status: criteria provided, single submitter. Criteria: Invitae Variant Classification Sherloc (09022015). Collection method: clinical testing. Allele origin: germline.
Comment: This sequence change affects an acceptor splice site in intron 8 of the F5 gene. It is expected to disrupt RNA splicing. Variants that disrupt the donor or acceptor splice site typically lead to a loss of protein function (PMID: 16199547), and loss-of-function variants in F5 are known to be pathogenic (PMID: 30924984). This variant is not present in population databases (gnomAD no frequency). Disruption of this splice site has been observed in individual(s) with factor V deficiency (PMID: 33979974). In at least one individual the data is consistent with being in trans (on the opposite chromosome) from a pathogenic variant. ClinVar contains an entry for this variant (Variation ID: 627222). Algorithms developed to predict the effect of sequence changes on RNA splicing suggest that this variant may disrupt the consensus splice site. For these reasons, this variant has been classified as Pathogenic.

NIHR Bioresource Rare Diseases, University of Cambridge
Classification: Likely pathogenic for Congenital factor V deficiency. Last evaluated: 2019-02-01. Review status: criteria provided, single submitter. Criteria: ACMG Guidelines, 2015. Collection method: research. Allele origin: unknown. Affected: yes. Observed: 1 compound heterozygote. Study: ThromboGenomics.

Juno Genomics, Hangzhou Juno Genomics, Inc
Classification: Pathogenic for Congenital factor V deficiency. Review status: criteria provided, single submitter. Criteria: ACMG Guidelines, 2015. Collection method: clinical testing. Allele origin: germline. Affected: yes.
Comment: Absent from controls (or at extremely low frequency if recessive) in Genome Aggregation Database, Exome Sequencing Project, 1000 Genomes Project, or Exome Aggregation Consortium.;Null variant in a gene where loss of function (LOF) is a known mechanism of disease.;For recessive disorders, detected in trans with a pathogenic variant.;Patient's phenotype or family history is highly specific for a disease with a single genetic etiology.

Literature cited by the submitters: PubMed 16199547 (cited by Labcorp Genetics (formerly Invitae), Labcorp); PubMed 30924984 (cited by Labcorp Genetics (formerly Invitae), Labcorp); PubMed 33979974 (cited by Labcorp Genetics (formerly Invitae), Labcorp); PubMed 31064749 (cited by NIHR Bioresource Rare Diseases, University of Cambridge).

NM_000130.5(F5):c.1297-2A>G

Gene: F5 (coagulation factor V; minus strand). Cytogenetic location: 1q24.2.
Variant type: single nucleotide variant.
Coding change: c.1297-2A>G on transcript NM_000130.5 (MANE Select); the canonical splice acceptor site of the intron before coding-DNA position 1297, A replaced by G.
Molecular consequence: splice acceptor variant.
Genome position (GRCh38, 1-based): chr1:169,550,741, T>C on the plus strand (A>G on the coding strand, the complement: F5 is on the minus strand). VCF-style: chr1-169550741-T-C. GRCh37 (hg19) VCF-style: chr1-169519979-T-C.
Identifiers: ClinVar variation 627222 (VCV000627222.4), dbSNP rs762646464, ClinGen allele CA343126706.